The following is an entry in ClinVar:

NM_001174147.2(LMX1B):c.746G>A (p.Arg249Gln)

Gene: LMX1B (LIM homeobox transcription factor 1 beta; plus strand). Cytogenetic location: 9q33.3.
Variant type: single nucleotide variant.
Coding change: c.746G>A on transcript NM_001174147.2 (MANE Select); coding-DNA position 746, G replaced by A.
Protein change: p.Arg249Gln; replaces arginine 249 with glutamine.
Molecular consequence: missense variant.
Genome position (GRCh38, 1-based): chr9:126,693,528, G>A. VCF-style: chr9-126693528-G-A. GRCh37 (hg19) VCF-style: chr9-129455807-G-A.
Other names: c.746G>A, p.Arg249Gln (NM_001174146.2, NM_002316.4); c.746G>A (NM_002316.3); short protein forms R249Q.
Identifiers: ClinVar variation 3596446 (VCV003596446.4).

ClinVar aggregate classification (germline): Pathogenic. Review status: criteria provided, multiple submitters, no conflicts (2 of 4 stars). 3 submissions from 3 submitters: Pathogenic (3). Last evaluated 2026-04-06.

Conditions:
LMX1B-related disorder. Also called: LMX1B-related condition.
Nail-patella syndrome (NPS). Also called: FONG DISEASE; ONYCHOOSTEODYSPLASIA; TURNER-KIESER SYNDROME. Identifiers: Orphanet 2614, MedGen C0027341, MONDO:0008061, OMIM 161200.
Nail-patella-like renal disease. Also called: Focal Segmental Glomerulosclerosis 10; GLOMERULAR BASEMENT MEMBRANE DISEASE, NAIL-PATELLA SYNDROME TYPE. Identifiers: Orphanet 2613, MedGen C0403548, MONDO:0009724, OMIM 256020.

Submissions (3):

PreventionGenetics, part of Exact Sciences
Classification: Pathogenic for LMX1B-related condition. Last evaluated: 2026-04-06. Review status: criteria provided, single submitter. Criteria: ACMG Guidelines, 2015. Collection method: clinical testing. Allele origin: germline.
Comment: The LMX1B c.746G>A variant is predicted to result in the amino acid substitution p.Arg249Gln. This variant was reported in individuals with LMX1B-associated nephropathy (segregated with disease in a large family in Edwards et al. 2015. PubMed ID: 25713721; Shimohata et al. 2021. PubMed ID: 34076843). A functional study suggested that this variant caused disease likely due to a dominant negative effect resulting in downregulation of WT1(−KTS) isoforms in podocytes (Hall et al. 2017. PubMed ID: 28059119). This variant has not been reported in a large population database (gnomAD), indicating this variant is rare. This variant is interpreted as pathogenic.

Labcorp Genetics (formerly Invitae), Labcorp
Classification: Pathogenic. Last evaluated: 2024-12-31. Review status: criteria provided, single submitter. Criteria: Invitae Variant Classification Sherloc (09022015). Collection method: clinical testing. Allele origin: germline.
Comment: This sequence change replaces arginine, which is basic and polar, with glutamine, which is neutral and polar, at codon 249 of the LMX1B protein (p.Arg249Gln). This variant is not present in population databases (gnomAD no frequency). This missense change has been observed in individual(s) with LMX1B-related conditions (PMID: 25713721). It has also been observed to segregate with disease in related individuals. Invitae Evidence Modeling of protein sequence and biophysical properties (such as structural, functional, and spatial information, amino acid conservation, physicochemical variation, residue mobility, and thermodynamic stability) indicates that this missense variant is expected to disrupt LMX1B protein function with a positive predictive value of 80%. For these reasons, this variant has been classified as Pathogenic.

Fulgent Genetics
Classification: Pathogenic for Nail-patella syndrome; Nail-patella-like renal disease. Last evaluated: 2024-03-23. Review status: criteria provided, single submitter. Criteria: ACMG Guidelines, 2015. Collection method: clinical testing. Allele origin: germline.

Literature cited by the submitters: PubMed 25713721 (cited by Labcorp Genetics (formerly Invitae), Labcorp).